The following is an entry in ClinVar:

ClinVar aggregate classification (germline): Uncertain significance (1 of 4 stars; one submission).

Allele frequency attached by ClinVar (database versions not stated): gnomAD exomes below 0.00001; TOPMed below 0.00001.
gnomAD v4.1: 1 of 1,613,916 alleles (0.000062%); highest among the groups gnomAD compares: East Asian, 0.0022%; no homozygotes.

Submission:

Labcorp Genetics (formerly Invitae), Labcorp
Classification: Uncertain significance. Last evaluated: 2025-02-04. Review status: criteria provided, single submitter. Criteria: Invitae Variant Classification Sherloc (09022015). Collection method: clinical testing. Allele origin: germline.
Comment: This sequence change replaces tryptophan, which is neutral and slightly polar, with arginine, which is basic and polar, at codon 402 of the ALPK3 protein (p.Trp402Arg). This variant is present in population databases (no rsID available, gnomAD 0.006%). This variant has not been reported in the literature in individuals affected with ALPK3-related conditions. ClinVar contains an entry for this variant (Variation ID: 1715905). An algorithm developed to predict the effect of missense changes on protein structure and function outputs the following: PolyPhen-2: "Benign". The arginine amino acid residue is found in multiple mammalian species, which suggests that this missense change does not adversely affect protein function. In summary, the available evidence is currently insufficient to determine the role of this variant in disease. Therefore, it has been classified as a Variant of Uncertain Significance.

NM_020778.5(ALPK3):c.598T>C (p.Trp200Arg)

Gene: ALPK3 (alpha kinase 3; plus strand). Cytogenetic location: 15q25.3.
Variant type: single nucleotide variant.
Coding change: c.598T>C on transcript NM_020778.5 (MANE Select); coding-DNA position 598, T replaced by C.
Protein change: p.Trp200Arg; replaces tryptophan 200 with arginine.
Molecular consequence: missense variant.
Genome position (GRCh38, 1-based): chr15:84,839,877, T>C. VCF-style: chr15-84839877-T-C. GRCh37 (hg19) VCF-style: chr15-85383108-T-C.
Other names: short protein forms W200R.
Identifiers: ClinVar variation 1715905 (VCV001715905.5), dbSNP rs1451175669, ClinGen allele CA393373042.